The following is an entry in ClinVar:

ClinVar aggregate classification (germline): Uncertain significance (1 of 4 stars; one submission).

Conditions:
Inborn genetic diseases. Identifiers: MedGen C0950123, MeSH D030342.

gnomAD v4.1: 1 of 1,190,695 alleles (0.000084%); highest among the groups gnomAD compares: Non-Finnish European, 0.00011%; no homozygotes.

Submission:

Ambry Genetics
Classification: Uncertain significance for Inborn genetic diseases. Last evaluated: 2026-07-28. Review status: criteria provided, single submitter. Criteria: Ambry Variant Classification Scheme 2023. Collection method: clinical testing. Allele origin: germline.
Comment: The c.695A>G (p.E232G) alteration is located in exon 5 (coding exon 5) of the PLP1 gene. This alteration results from an A to G substitution at nucleotide position 695, causing the glutamic acid (E) at amino acid position 232 to be replaced by a glycine (G). This variant was not reported in population-based cohorts in the Genome Aggregation Database (gnomAD). This amino acid position is highly conserved in available vertebrate species. This alteration is predicted to be deleterious by in silico analysis. Based on insufficient or conflicting evidence, the clinical significance of this alteration remains unclear.

NM_000533.5(PLP1):c.695A>G (p.Glu232Gly)

Genes: PLP1 (proteolipid protein 1; plus strand), RAB9B (RAB9B, member RAS oncogene family; minus strand). Cytogenetic location: Xq22.2.
Variant type: single nucleotide variant.
Coding change: c.695A>G on transcript NM_000533.5 (MANE Select); coding-DNA position 695, A replaced by G.
Protein change: p.Glu232Gly; replaces glutamic acid 232 with glycine.
Molecular consequence: missense variant.
Genome position (GRCh38, 1-based): chrX:103,788,509, A>G. VCF-style: chrX-103788509-A-G. GRCh37 (hg19) VCF-style: chrX-103043438-A-G.
Other names: c.695A>G, p.Glu232Gly (NM_001128834.3); c.530A>G, p.Glu177Gly (NM_001305004.1); c.590A>G, p.Glu197Gly (NM_199478.3); short protein forms E197G, E177G, E232G.
Identifiers: ClinVar variation 5026861 (VCV005026861.1).
Genomic context (GRCh38, chrX:103,788,509, plus strand): 5'-GGAATGCTTTCCCTGGCAAGGTTTGTGGCTCCAACCTTCTGTCCATCTGCAAAACAGCTG[A>G]GGTGAGTGGGTTATTTGGGTTATTTTACAAGGGAGTAGCTAATACCATACAAATTACACC-3'
Protein context (NP_000524.3, residues 222-242): SNLLSICKTA[Glu232Gly]FQMTFHLFIA